The following is an entry in ClinVar:

ClinVar aggregate classification (germline): Uncertain significance (1 of 4 stars; one submission).

Conditions:
Primary ciliary dyskinesia. Also called: Ciliary dyskinesia. Identifiers: Orphanet 244, MedGen C0008780, MONDO:0016575, HP:0012265.

Allele frequency attached by ClinVar (database versions not stated): ExAC 0.00001; gnomAD exomes 0.00001 and 0.00002.
gnomAD v4.1: 26 of 1,613,850 alleles (0.0016%); highest among the groups gnomAD compares: Non-Finnish European, 0.0019%; no homozygotes.

Submission:

Labcorp Genetics (formerly Invitae), Labcorp
Classification: Uncertain significance for Primary ciliary dyskinesia. Last evaluated: 2020-08-04. Review status: criteria provided, single submitter. Criteria: Invitae Variant Classification Sherloc (09022015). Collection method: clinical testing. Allele origin: germline.
Comment: In summary, the available evidence is currently insufficient to determine the role of this variant in disease. Therefore, it has been classified as a Variant of Uncertain Significance. Algorithms developed to predict the effect of missense changes on protein structure and function output the following: SIFT: "Tolerated"; PolyPhen-2: "Not Available"; Align-GVGD: "Class C0". The asparagine amino acid residue is found in multiple mammalian species, suggesting that this missense change does not adversely affect protein function. These predictions have not been confirmed by published functional studies and their clinical significance is uncertain. This variant has not been reported in the literature in individuals with DNAH8-related conditions. This variant is present in population databases (rs769727126, ExAC 0.02%). This sequence change replaces serine with asparagine at codon 2910 of the DNAH8 protein (p.Ser2910Asn). The serine residue is weakly conserved and there is a small physicochemical difference between serine and asparagine.

NM_001206927.2(DNAH8):c.8729G>A (p.Ser2910Asn)

Gene: DNAH8 (dynein axonemal heavy chain 8; plus strand). Cytogenetic location: 6p21.2.
Variant type: single nucleotide variant.
Coding change: c.8729G>A on transcript NM_001206927.2 (MANE Select); coding-DNA position 8729, G replaced by A.
Protein change: p.Ser2910Asn; replaces serine 2910 with asparagine.
Molecular consequence: missense variant.
Genome position (GRCh38, 1-based): chr6:38,894,846, G>A. VCF-style: chr6-38894846-G-A. GRCh37 (hg19) VCF-style: chr6-38862622-G-A.
Other names: c.8078G>A, p.Ser2693Asn (NM_001371.4); short protein forms S2693N, S2910N.
Identifiers: ClinVar variation 1043871 (VCV001043871.9), dbSNP rs769727126, ClinGen allele CA3790279.
Genomic context (GRCh38, chr6:38,894,846, plus strand): 5'-TAAAAGCTGAGGAGTGCGCTTCAATCCCTACTCTCCTGTCCCTTTTCAAACACGAGTGCA[G>A]CAGAGTAATTGCAGACAGGTGCGTGTTGCGGCACTAGAGTTTAAATGTATGACCTGAGAA-3'
Protein context (NP_001193856.1, residues 2900-2920): TLLSLFKHEC[Ser2910Asn]RVIADRFITP